The following is an entry in ClinVar:

ClinVar aggregate classification (germline): Likely benign (1 of 4 stars; one submission).

Allele frequency attached by ClinVar (database versions not stated): gnomAD 0.00282 and 0.00299; TOPMed 0.00323; 1000 Genomes Project 30x 0.00390; 1000 Genomes Project 0.00539.
gnomAD v4.1: 411 of 148,444 alleles (0.28%); highest among the groups gnomAD compares: African/African-American, 0.98%; 1 homozygote.

Submission:

GeneDx
Classification: Likely benign. Last evaluated: 2018-06-19. Review status: criteria provided, single submitter. Criteria: GeneDx Variant Classification (06012015). Collection method: clinical testing. Allele origin: germline. Affected: yes.
Comment: This variant is considered likely benign or benign based on one or more of the following criteria: it is a conservative change, it occurs at a poorly conserved position in the protein, it is predicted to be benign by multiple in silico algorithms, and/or has population frequency not consistent with disease.

NM_006796.3(AFG3L2):c.214+252A>T

Gene: AFG3L2 (AFG3 like matrix AAA peptidase subunit 2; minus strand). Cytogenetic location: 18p11.21.
Variant type: single nucleotide variant.
Coding change: c.214+252A>T on transcript NM_006796.3 (MANE Select); 252 bases into the intron after coding-DNA position 214, A replaced by T.
Molecular consequence: intron variant.
Genome position (GRCh38, 1-based): chr18:12,371,340, T>A on the plus strand (A>T on the coding strand, the complement: AFG3L2 is on the minus strand). VCF-style: chr18-12371340-T-A. GRCh37 (hg19) VCF-style: chr18-12371339-T-A.
Identifiers: ClinVar variation 674109 (VCV000674109.1), dbSNP rs571843979, ClinGen allele CA296722024.
Genomic context (GRCh38, chr18:12,371,340, plus strand): 5'-CTCCAACCTGGGCGACAAGAGCCAAACTCAGTCTCCAAAAAAAAAAAAAAAAGCACAAGC[T>A]AAAAGCATAACATTTCTTGTGTACAAGTACATCAAAGTCTAAATAATATAGTTCACAACC-3'